The following is an entry in ClinVar:

ClinVar aggregate classification (germline): Uncertain significance. Review status: criteria provided, multiple submitters, no conflicts (2 of 4 stars). 3 submissions from 3 submitters: Uncertain significance (3). Last evaluated 2026-06-03.

Allele frequency attached by ClinVar (database versions not stated): gnomAD 0.00001; gnomAD exomes 0.00001; ExAC 0.00002; TOPMed 0.00005.
gnomAD v4.1: 5 of 1,583,714 alleles (0.00032%); highest among the groups gnomAD compares: East Asian, 0.0092%; no homozygotes.

Submissions (3):

Women's Health and Genetics/Laboratory Corporation of America, LabCorp
Classification: Uncertain significance. Last evaluated: 2026-06-03. Review status: criteria provided, single submitter. Criteria: LabCorp Variant Classification Summary - May 2015. Collection method: clinical testing. Allele origin: germline.
Comment: Variant summary: SPEG c.8149G>A (p.Gly2717Arg) results in a non-conservative amino acid change in the encoded protein sequence. Algorithms developed to predict the effect of missense changes on protein structure and function are either unavailable or do not agree on the potential impact of this missense change. Several computational tools predict a significant impact on normal splicing: Two predict the variant abolishes a 5' splicing donor site. Two predict the variant weakens a 5' donor site. However, these predictions have yet to be confirmed by functional studies. The variant allele was found at a frequency of 1e-05 in 196396 control chromosomes (gnomAD). The available data on variant occurrences in the general population are insufficient to allow any conclusion about variant significance. To our knowledge, no occurrence of c.8149G>A in individuals affected with SPEG-related conditions and no experimental evidence demonstrating its impact on protein function have been reported. ClinVar contains an entry for this variant (Variation ID: 1525912). Based on the evidence outlined above, the variant was classified as uncertain significance.

Mayo Clinic Laboratories, Mayo Clinic
Classification: Uncertain significance. Last evaluated: 2025-02-26. Review status: criteria provided, single submitter. Criteria: ACMG Guidelines, 2015. Collection method: clinical testing. Allele origin: germline. Observed: 1 variant allele.
Comment: BP4

Labcorp Genetics (formerly Invitae), Labcorp
Classification: Uncertain significance. Last evaluated: 2021-08-06. Review status: criteria provided, single submitter. Criteria: Invitae Variant Classification Sherloc (09022015). Collection method: clinical testing. Allele origin: germline.
Comment: This sequence change replaces glycine with arginine at codon 2717 of the SPEG protein (p.Gly2717Arg). The glycine residue is highly conserved and there is a moderate physicochemical difference between glycine and arginine. This variant also falls at the last nucleotide of exon 34, which is part of the consensus splice site for this exon. This variant is present in population databases (rs760535707, ExAC 0.04%). This variant has not been reported in the literature in individuals affected with SPEG-related conditions. Algorithms developed to predict the effect of missense changes on protein structure and function are either unavailable or do not agree on the potential impact of this missense change (SIFT: "Deleterious"; PolyPhen-2: "Probably Damaging"; Align-GVGD: "Class C15"). Variants that disrupt the consensus splice site are a relatively common cause of aberrant splicing (PMID: 17576681, 9536098). Algorithms developed to predict the effect of sequence changes on RNA splicing suggest that this variant may disrupt the consensus splice site. In summary, the available evidence is currently insufficient to determine the role of this variant in disease. Therefore, it has been classified as a Variant of Uncertain Significance.

Literature cited by the submitters: PubMed 17576681 (cited by Labcorp Genetics (formerly Invitae), Labcorp); PubMed 9536098 (cited by Labcorp Genetics (formerly Invitae), Labcorp).

NM_005876.5(SPEG):c.8149G>A (p.Gly2717Arg)

Genes: ASIC4-AS1 (ASIC4 antisense RNA 1; minus strand), SPEG (striated muscle enriched protein kinase; plus strand). Cytogenetic location: 2q35.
Variant type: single nucleotide variant.
Coding change: c.8149G>A on transcript NM_005876.5 (MANE Select); coding-DNA position 8149, G replaced by A.
Protein change: p.Gly2717Arg; replaces glycine 2717 with arginine.
Molecular consequence: missense variant.
Genome position (GRCh38, 1-based): chr2:219,488,900, G>A. VCF-style: chr2-219488900-G-A. GRCh37 (hg19) VCF-style: chr2-220353622-G-A.
Other names: p.Gly2717Arg; short protein forms G2717R.
Identifiers: ClinVar variation 1525912 (VCV001525912.6), dbSNP rs760535707, ClinGen allele CA2127401.